The following is an entry in ClinVar:

ClinVar aggregate classification (germline): Uncertain significance. Review status: criteria provided, multiple submitters, no conflicts (2 of 4 stars). 2 submissions from 2 submitters: Uncertain significance (2). Last evaluated 2025-11-03.

Conditions:
Inborn genetic diseases. Identifiers: MedGen C0950123, MeSH D030342.

Allele frequency attached by ClinVar (database versions not stated): gnomAD exomes below 0.00001; TOPMed 0.00001.
gnomAD v4.1: 2 of 1,613,240 alleles (0.00012%); highest among the groups gnomAD compares: Admixed American, 0.0017%; no homozygotes.

Submissions (2):

Ambry Genetics
Classification: Uncertain significance for Inborn genetic diseases. Last evaluated: 2025-11-03. Review status: criteria provided, single submitter. Criteria: Ambry Variant Classification Scheme 2023. Collection method: clinical testing. Allele origin: germline.

Labcorp Genetics (formerly Invitae), Labcorp
Classification: Uncertain significance. Last evaluated: 2024-10-30. Review status: criteria provided, single submitter. Criteria: Invitae Variant Classification Sherloc (09022015). Collection method: clinical testing. Allele origin: germline.
Comment: This sequence change replaces valine, which is neutral and non-polar, with isoleucine, which is neutral and non-polar, at codon 397 of the CFI protein (p.Val397Ile). This variant is not present in population databases (gnomAD no frequency). This variant has not been reported in the literature in individuals affected with CFI-related conditions. ClinVar contains an entry for this variant (Variation ID: 2997624). Invitae Evidence Modeling of protein sequence and biophysical properties (such as structural, functional, and spatial information, amino acid conservation, physicochemical variation, residue mobility, and thermodynamic stability) indicates that this missense variant is not expected to disrupt CFI protein function with a negative predictive value of 80%. In summary, the available evidence is currently insufficient to determine the role of this variant in disease. Therefore, it has been classified as a Variant of Uncertain Significance.

NM_000204.5(CFI):c.1189G>A (p.Val397Ile)

Gene: CFI (complement factor I; minus strand). Cytogenetic location: 4q25.
Variant type: single nucleotide variant.
Coding change: c.1189G>A on transcript NM_000204.5 (MANE Select); coding-DNA position 1189, G replaced by A.
Protein change: p.Val397Ile; replaces valine 397 with isoleucine.
Molecular consequence: missense variant. On other transcripts: non-coding transcript variant (2).
Genome position (GRCh38, 1-based): chr4:109,746,462, C>T on the plus strand (G>A on the coding strand, the complement: CFI is on the minus strand). VCF-style: chr4-109746462-C-T. GRCh37 (hg19) VCF-style: chr4-110667618-C-T.
Other names: c.1132G>A, p.Val378Ile (NM_001375283.1); c.580G>A, p.Val194Ile (NM_001375284.1); c.1168G>A, p.Val390Ile (NM_001331035.2, NM_001375280.1, NM_001375282.1); c.1213G>A, p.Val405Ile (NM_001375278.1, NM_001318057.2); c.1189G>A, p.Val397Ile (NM_001375279.1, NM_001375281.1); short protein forms V390I, V397I, V378I, V194I, V405I.
Identifiers: ClinVar variation 2997624 (VCV002997624.4), dbSNP rs1216946686, ClinGen allele CA357857627.
Genomic context (GRCh38, chr4:109,746,462, plus strand): 5'-AAATAATTCTATCCACGTATTCAATTACTATACGTTTAAGGTCGGGGTGTATCCAGTCTA[C>T]TACTGTTGTCCATATTTGGTAACGATGAGTTTTACTGGCTCTATAACAGAAAAAAAAAGG-3'
Protein context (NP_000195.3, residues 387-407): THRYQIWTTV[Val397Ile]DWIHPDLKRI